The following is an entry in ClinVar:

NM_014252.4(SLC25A15):c.823C>T (p.Arg275Ter)

Gene: SLC25A15 (solute carrier family 25 member 15; plus strand). Cytogenetic location: 13q14.11.
Variant type: single nucleotide variant.
Coding change: c.823C>T on transcript NM_014252.4 (MANE Select); coding-DNA position 823, C replaced by T.
Protein change: p.Arg275Ter; replaces arginine 275 with a stop codon.
Molecular consequence: nonsense.
Genome position (GRCh38, 1-based): chr13:40,809,584, C>T. VCF-style: chr13-40809584-C-T. GRCh37 (hg19) VCF-style: chr13-41383720-C-T.
Other names: short protein forms R275*.
Identifiers: ClinVar variation 38403 (VCV000038403.19), dbSNP rs202247807, ClinGen allele CA343046.
Genomic context (GRCh38, chr13:40,809,584, plus strand): 5'-CCGCCCTTTTATTTGCTAGGAATAACGGCCTTATATTCTGGACTGAAACCTACTATGATT[C>T]GAGCATTCCCTGCCAATGGAGCACTCTTTTTGGCCTACGAATATAGCAGGAAGTTGATGA-3'

ClinVar aggregate classification (germline): Pathogenic/Likely pathogenic. Review status: criteria provided, multiple submitters, no conflicts (2 of 4 stars). 7 submissions from 7 submitters: Pathogenic (1); Likely pathogenic (5). 1 of the submissions does not count toward it. Last evaluated 2025-12-17.

Conditions:
SLC25A15-related disorder. Also called: SLC25A15-related condition.
Hyperornithinemia-hyperammonemia-homocitrullinuria syndrome (HHHS). Also called: Ornithine translocase deficiency; HHH SYNDROME. Identifiers: Orphanet 415, MedGen C0268540, MONDO:0009393, OMIM 238970.

Allele frequency attached by ClinVar (database versions not stated): gnomAD exomes 0.00001; gnomAD 0.00006; TOPMed 0.00002.

Submissions (7):

Natera, Inc.
Classification: Pathogenic for Hyperornithinemia-hyperammonemia-homocitrullinuria syndrome. Last evaluated: 2025-12-17. Review status: criteria provided, single submitter. Criteria: Natera Variant Classification Schema (03/2026). Collection method: clinical testing. Allele origin: germline.
Comment: The c.823C>T variant in SLC25A15 is a nonsense variant predicted to introduce a stop codon at amino acid 275. This variant is expected to result in nonsense mediated decay, truncation, or a dysfunctional protein product. This variant is rare in the general population with a frequency below the threshold expected for the associated phenotype(s). This variant has been observed in one or more individuals affected with the associated recessive disease, as either homozygous or compound heterozygous with a second variant (PMID: 16376511, 23430880, 41126296, 40665309). Given the available evidence, this variant is classified as Pathogenic.

Labcorp Genetics (formerly Invitae), Labcorp
Classification: Likely pathogenic for Hyperornithinemia-hyperammonemia-homocitrullinuria syndrome. Last evaluated: 2025-01-20. Review status: criteria provided, single submitter. Criteria: Invitae Variant Classification Sherloc (09022015). Collection method: clinical testing. Allele origin: germline.
Comment: This sequence change creates a premature translational stop signal (p.Arg275*) in the SLC25A15 gene. While this is not anticipated to result in nonsense mediated decay, it is expected to disrupt the last 27 amino acid(s) of the SLC25A15 protein. This variant is present in population databases (rs202247807, gnomAD 0.006%). This premature translational stop signal has been observed in individuals with hyperornithinemia-hyperammonemia-homocitrullinuria syndrome (PMID: 16376511, 23430880). ClinVar contains an entry for this variant (Variation ID: 38403). Algorithms developed to predict the effect of sequence changes on RNA splicing suggest that this variant may disrupt the consensus splice site. This variant disrupts the C-terminus of the SLC25A15 protein. Other variant(s) that disrupt this region (p.Glu288Glyfs*3) have been observed in individuals with SLC25A15-related conditions (PMID: 11552031, 12807890). This suggests that this may be a clinically significant region of the protein. In summary, the currently available evidence indicates that the variant is pathogenic, but additional data are needed to prove that conclusively. Therefore, this variant has been classified as Likely Pathogenic.

Department of Neurology, Zibo Changguo Hospital
Classification: Likely pathogenic for Hyperornithinemia-hyperammonemia-homocitrullinuria syndrome. Last evaluated: 2025-01-10. Review status: criteria provided, single submitter. Criteria: ACMG Guidelines, 2015. Collection method: clinical testing. Allele origin: paternal. Inheritance: Autosomal recessive inheritance. Affected: yes. Observed: 1 compound heterozygote.
Comment: PVS1_Moderate, PM3_Strong, PM2_Supporting, PP4

Fulgent Genetics
Classification: Likely pathogenic for Hyperornithinemia-hyperammonemia-homocitrullinuria syndrome. Last evaluated: 2024-06-17. Review status: criteria provided, single submitter. Criteria: ACMG Guidelines, 2015. Collection method: clinical testing. Allele origin: germline.

Blueprint Genetics
Classification: Likely pathogenic for SLC25A15-related disorders. Last evaluated: 2019-05-10. Review status: criteria provided, single submitter. Criteria: ACMG Guidelines, 2015. Collection method: clinical testing. Allele origin: germline. Affected: yes. Observed: 2 variant alleles.

Juno Genomics, Hangzhou Juno Genomics, Inc
Classification: Likely pathogenic for Hyperornithinemia-hyperammonemia-homocitrullinuria syndrome. Review status: criteria provided, single submitter. Criteria: ACMG Guidelines, 2015. Collection method: clinical testing. Allele origin: germline.
Comment: Absent from controls (or at extremely low frequency if recessive) in Genome Aggregation Database.;Null variant in a gene where loss of function (LOF) is a known mechanism of disease.;For recessive disorders, detected in trans with a pathogenic variant.;Patient's phenotype or family history is highly specific for a disease with a single genetic etiology.;Co-segregation with disease in multiple affected family members.

GeneReviews
No classification provided. Condition: Hyperornithinemia-hyperammonemia-homocitrullinuria syndrome. Review status: no classification provided. Collection method: literature only. Allele origin: unknown. Not counted in ClinVar's aggregate classification.

Literature cited by the submitters: PubMed 16376511 (cited by Natera, Inc. and Labcorp Genetics (formerly Invitae), Labcorp); PubMed 23430880 (cited by Natera, Inc. and Labcorp Genetics (formerly Invitae), Labcorp); PubMed 41126296 (cited by Natera, Inc.); PubMed 40665309 (cited by Natera, Inc.); PubMed 11552031 (cited by Labcorp Genetics (formerly Invitae), Labcorp); PubMed 12807890 (cited by Labcorp Genetics (formerly Invitae), Labcorp); PubMed 22649802 (cited by GeneReviews); NCBI Bookshelf NBK97260 (cited by GeneReviews).